The following is an entry in ClinVar:

NM_015971.4(MRPS7):c.412G>A (p.Glu138Lys)

Gene: MRPS7 (mitochondrial ribosomal protein S7; plus strand). Cytogenetic location: 17q25.1.
Variant type: single nucleotide variant.
Coding change: c.412G>A on transcript NM_015971.4 (MANE Select); coding-DNA position 412, G replaced by A.
Protein change: p.Glu138Lys; replaces glutamic acid 138 with lysine.
Molecular consequence: missense variant.
Genome position (GRCh38, 1-based): chr17:75,263,412, G>A. VCF-style: chr17-75263412-G-A. GRCh37 (hg19) VCF-style: chr17-73259493-G-A.
Other names: c.412G>A (NM_015971.3); short protein forms E138K.
Identifiers: ClinVar variation 2904312 (VCV002904312.4), dbSNP rs778630266, ClinGen allele CA8760379.
Genomic context (GRCh38, chr17:75,263,412, plus strand): 5'-GTGAAAAGGAAGCAGTTTGAGAAGTACCATGCCGCTTCTGCAGAGGAACAGGCAACCATC[G>A]AACGCAACCCCTACACCATCTTCCATCAAGCACTGAAAAACTGTGAGCCTATGATTGGGC-3'
Protein context (NP_057055.2, residues 128-148): AASAEEQATI[Glu138Lys]RNPYTIFHQA

ClinVar aggregate classification (germline): Uncertain significance. Review status: criteria provided, multiple submitters, no conflicts (2 of 4 stars). 2 submissions from 2 submitters: Uncertain significance (2). Last evaluated 2025-08-07.

Allele frequency attached by ClinVar (database versions not stated): ExAC 0.00001; gnomAD exomes 0.00003; gnomAD 0.00004; TOPMed 0.00005.
gnomAD v4.1: 52 of 1,613,918 alleles (0.0032%); highest among the groups gnomAD compares: Middle Eastern, 0.016%; no homozygotes.

Submissions (2):

Ambry Genetics
Classification: Uncertain significance. Last evaluated: 2025-08-07. Review status: criteria provided, single submitter. Criteria: Ambry Variant Classification Scheme 2023. Collection method: clinical testing. Allele origin: germline.

Labcorp Genetics (formerly Invitae), Labcorp
Classification: Uncertain significance. Last evaluated: 2023-04-26. Review status: criteria provided, single submitter. Criteria: Invitae Variant Classification Sherloc (09022015). Collection method: clinical testing. Allele origin: germline.
Comment: In summary, the available evidence is currently insufficient to determine the role of this variant in disease. Therefore, it has been classified as a Variant of Uncertain Significance. Advanced modeling of protein sequence and biophysical properties (such as structural, functional, and spatial information, amino acid conservation, physicochemical variation, residue mobility, and thermodynamic stability) performed at Invitae indicates that this missense variant is not expected to disrupt MRPS7 protein function. This variant has not been reported in the literature in individuals affected with MRPS7-related conditions. This variant is present in population databases (rs778630266, gnomAD 0.004%). This sequence change replaces glutamic acid, which is acidic and polar, with lysine, which is basic and polar, at codon 138 of the MRPS7 protein (p.Glu138Lys).